The following is an entry in ClinVar:

NM_001164508.2(NEB):c.21685G>C (p.Asp7229His)

Genes: NEB (nebulin; minus strand), RIF1 (replication timing regulatory factor 1; plus strand). Cytogenetic location: 2q23.3.
Variant type: single nucleotide variant.
Coding change: c.21685G>C on transcript NM_001164508.2 (MANE Select); coding-DNA position 21685, G replaced by C.
Protein change: p.Asp7229His; replaces aspartic acid 7229 with histidine.
Molecular consequence: missense variant.
Genome position (GRCh38, 1-based): chr2:151,529,260, C>G on the plus strand (G>C on the coding strand, the complement: NEB is on the minus strand). VCF-style: chr2-151529260-C-G. GRCh37 (hg19) VCF-style: chr2-152385774-C-G.
Other names: p.Asp7264His; c.21685G>C, p.Asp7229His (NM_001164507.2); c.21790G>C, p.Asp7264His (NM_001271208.2); c.16582G>C, p.Asp5528His (NM_004543.5); short protein forms D7264H, D5528H, D7229H.
Identifiers: ClinVar variation 193961 (VCV000193961.49), dbSNP rs201979610, ClinGen allele CA239711.

ClinVar aggregate classification (germline): Conflicting classifications of pathogenicity. Review status: criteria provided, conflicting classifications (1 of 4 stars). 10 submissions from 10 submitters: Uncertain significance (4); Likely benign (4). 2 of the submissions do not count toward it. Last evaluated 2026-06-01.

Conditions:
NEB-related disorder. Also called: NEB-Related Disorders; NEB-related condition.
Nemaline myopathy 2 (NEM2). Also called: Nemaline myopathy 2, autosomal recessive. Identifiers: MedGen C1850569, MONDO:0009725, OMIM 256030.

Allele frequency attached by ClinVar (database versions not stated): 1000 Genomes Project 30x 0.00016; 1000 Genomes Project 0.00020; TOPMed 0.00169; gnomAD 0.00175 and 0.00182; gnomAD exomes 0.00183; ExAC 0.00191; ESP Exome Variant Server 0.00198.

Submissions (10):

CeGaT Center for Human Genetics Tuebingen
Classification: Likely benign. Last evaluated: 2026-06-01. Review status: criteria provided, single submitter. Criteria: CeGaT Center For Human Genetics Tuebingen Variant Classification Criteria Version 2. Collection method: clinical testing. Allele origin: germline. Affected: yes. Observed: 6 variant alleles.
Comment: NEB: BS2

Labcorp Genetics (formerly Invitae), Labcorp
Classification: Likely benign for Nemaline myopathy 2. Last evaluated: 2026-01-28. Review status: criteria provided, single submitter. Criteria: Invitae Variant Classification Sherloc (09022015). Collection method: clinical testing. Allele origin: germline.

Mayo Clinic Laboratories, Mayo Clinic
Classification: Uncertain significance. Last evaluated: 2025-07-08. Review status: criteria provided, single submitter. Criteria: ACMG Guidelines, 2015. Collection method: clinical testing. Allele origin: germline. Observed: 2 variant alleles.
Comment: BS1

Women's Health and Genetics/Laboratory Corporation of America, LabCorp
Classification: Likely benign. Last evaluated: 2022-03-14. Review status: criteria provided, single submitter. Criteria: LabCorp Variant Classification Summary - May 2015. Collection method: clinical testing. Allele origin: germline.
Comment: Variant summary: NEB c.21790G>C (p.Asp7264His) results in a non-conservative amino acid change in the encoded protein sequence. Four of five in-silico tools predict a damaging effect of the variant on protein function. The variant allele was found at a frequency of 0.0018 in 280538 control chromosomes, predominantly at a frequency of 0.0036 within the Non-Finnish European subpopulation in the gnomAD database, including one homozygote. The observed variant frequency within Non-Finnish European control individuals in the gnomAD database is approximately 1.02 fold of the estimated maximal expected allele frequency for a pathogenic variant in NEB causing Nemaline Myopathy 2 phenotype (0.0035), strongly suggesting that the variant is a benign polymorphism found primarily in populations of Non-Finnish European origin. c.21790G>C has been reported in the literature in individuals affected with mild Nemaline Myopathy, sporadic distal myopathy and dilated cardiomyopathy (Wallgren-Pettersson_ 2004, Minoche_2019, Morales_2021). These reports do not provide unequivocal conclusions about association of the variant with Nemaline Myopathy 2. To our knowledge, no experimental evidence demonstrating an impact on protein function has been reported. Five ClinVar submitters have assessed this variant since 2014: two classified the variant as of uncertain significance and three as likely benign. Based on the evidence outlined above, the variant was classified as likely benign.

GeneDx
Classification: Likely benign. Last evaluated: 2017-06-05. Review status: criteria provided, single submitter. Criteria: GeneDx Variant Classification (06012015). Collection method: clinical testing. Allele origin: germline. Affected: yes.
Comment: This variant is considered likely benign or benign based on one or more of the following criteria: it is a conservative change, it occurs at a poorly conserved position in the protein, it is predicted to be benign by multiple in silico algorithms, and/or has population frequency not consistent with disease.

Illumina Laboratory Services, Illumina
Classification: Uncertain significance for Nemaline myopathy 2. Last evaluated: 2017-04-27. Review status: criteria provided, single submitter. Criteria: ICSL Variant Classification Criteria 13 December 2019. Collection method: clinical testing. Allele origin: germline.
Comment: This variant was observed as part of a predisposition screen in an ostensibly healthy population. A literature search was performed for the gene, cDNA change, and amino acid change (where applicable). Publications were found based on this search. However, the evidence from the literature, in combination with allele frequency data from public databases where available, was not sufficient to rule this variant in or out of causing disease. Therefore, this variant is classified as a variant of unknown significance.

Center for Pediatric Genomic Medicine, Children's Mercy Hospital and Clinics
Classification: Uncertain significance. Last evaluated: 2015-02-10. Review status: criteria provided, single submitter. Criteria: ACMG Guidelines, 2015. Collection method: clinical testing. Allele origin: germline.
ClinVar note: Converted during submission from Uncertain Significance to Uncertain significance.

Eurofins Ntd Llc (ga)
Classification: Uncertain significance. Last evaluated: 2014-11-19. Review status: criteria provided, single submitter. Criteria: EGL Classification Definitions 2015. Collection method: clinical testing. Allele origin: germline. Observed: 3 variant alleles, 3 heterozygotes.

PreventionGenetics, part of Exact Sciences
Classification: Likely benign for NEB-related condition. Last evaluated: 2023-01-20. Review status: no assertion criteria provided. Collection method: clinical testing. Allele origin: germline. Not counted in ClinVar's aggregate classification.
Comment: This variant is classified as likely benign based on ACMG/AMP sequence variant interpretation guidelines (Richards et al. 2015 PMID: 25741868, with internal and published modifications).

Natera, Inc.
Classification: Likely benign for Nemaline myopathy type 2. Last evaluated: 2020-01-11. Review status: no assertion criteria provided. Collection method: clinical testing. Allele origin: germline. Not counted in ClinVar's aggregate classification.

Literature cited by the submitters: PubMed 15336686 (cited by 3 submitters); PubMed 16917880 (cited by Mayo Clinic Laboratories, Mayo Clinic and Women's Health and Genetics/Laboratory Corporation of America, LabCorp); PubMed 29961767 (cited by Mayo Clinic Laboratories, Mayo Clinic and Women's Health and Genetics/Laboratory Corporation of America, LabCorp); PubMed 30467404 (cited by Mayo Clinic Laboratories, Mayo Clinic); PubMed 34426522 (cited by Mayo Clinic Laboratories, Mayo Clinic); PubMed 34440373 (cited by Mayo Clinic Laboratories, Mayo Clinic and Women's Health and Genetics/Laboratory Corporation of America, LabCorp); PubMed 37823350 (cited by Mayo Clinic Laboratories, Mayo Clinic).